The following is an entry in ClinVar:

ClinVar aggregate classification (germline): Uncertain significance (1 of 4 stars; one submission).

Conditions:
Primary ciliary dyskinesia. Also called: Ciliary dyskinesia. Identifiers: Orphanet 244, MedGen C0008780, MONDO:0016575, HP:0012265.

Submission:

Ambry Genetics
Classification: Uncertain significance for Primary ciliary dyskinesia. Last evaluated: 2025-10-25. Review status: criteria provided, single submitter. Criteria: Ambry Variant Classification Scheme 2023. Collection method: clinical testing. Allele origin: germline.
Comment: The p.V12F variant (also known as c.34G>T), located in coding exon 1 of the CCDC114 gene, results from a G to T substitution at nucleotide position 34. The valine at codon 12 is replaced by phenylalanine, an amino acid with highly similar properties. This amino acid position is conserved. In addition, this alteration is predicted to be tolerated by in silico analysis. Based on the available evidence, the clinical significance of this variant remains unclear.

NM_001364171.2(ODAD1):c.145G>T (p.Val49Phe)

Gene: ODAD1 (outer dynein arm docking complex subunit 1; minus strand). Cytogenetic location: 19q13.33.
Variant type: single nucleotide variant.
Coding change: c.145G>T on transcript NM_001364171.2 (MANE Select); coding-DNA position 145, G replaced by T.
Protein change: p.Val49Phe; replaces valine 49 with phenylalanine.
Molecular consequence: missense variant.
Genome position (GRCh38, 1-based): chr19:48,318,738, C>A on the plus strand (G>T on the coding strand, the complement: ODAD1 is on the minus strand). VCF-style: chr19-48318738-C-A. GRCh37 (hg19) VCF-style: chr19-48821995-C-A.
Other names: c.34G>T, p.Val12Phe (NM_144577.4); short protein forms V12F, V49F.
Identifiers: ClinVar variation 4630424 (VCV004630424.1).
Genomic context (GRCh38, chr19:48,318,738, plus strand): 5'-TCCTCCCCAGCTCAGGGCCCAGGCGCCCAGCTCACAGTTGCTTGTTGATGCGCTGGTGGA[C>A]TTCCTTGCTGTAGGCCCGCCTCTCCCCTTCCATCACTTTGCATTGTCGCTGCAGCCTACT-3'
Protein context (NP_001351100.1, residues 39-59): EGERRAYSKE[Val49Phe]HQRINKQLEE